The following is an entry in ClinVar:

ClinVar aggregate classification (germline): Uncertain significance (1 of 4 stars; one submission).

Conditions:
Inborn genetic diseases. Identifiers: MedGen C0950123, MeSH D030342.

Submission:

Ambry Genetics
Classification: Uncertain significance for Inborn genetic diseases. Last evaluated: 2025-04-12. Review status: criteria provided, single submitter. Criteria: Ambry Variant Classification Scheme 2023. Collection method: clinical testing. Allele origin: germline.
Comment: The p.Q793L variant (also known as c.2378A>T), located in coding exon 1 of the SAMD9L gene, results from an A to T substitution at nucleotide position 2378. The glutamine at codon 793 is replaced by leucine, an amino acid with dissimilar properties. This amino acid position is conserved. In addition, this alteration is predicted to be tolerated by in silico analysis. Based on the available evidence, the clinical significance of this variant remains unclear.

NM_152703.5(SAMD9L):c.2378A>T (p.Gln793Leu)

Gene: SAMD9L (sterile alpha motif domain containing 9 like; minus strand). Cytogenetic location: 7q21.2.
Variant type: single nucleotide variant.
Coding change: c.2378A>T on transcript NM_152703.5 (MANE Select); coding-DNA position 2378, A replaced by T.
Protein change: p.Gln793Leu; replaces glutamine 793 with leucine.
Molecular consequence: missense variant.
Genome position (GRCh38, 1-based): chr7:93,133,594, T>A on the plus strand (A>T on the coding strand, the complement: SAMD9L is on the minus strand). VCF-style: chr7-93133594-T-A. GRCh37 (hg19) VCF-style: chr7-92762907-T-A.
Other names: c.2378A>T, p.Gln793Leu (NM_001303496.3, NM_001303497.3, NM_001303498.3 and 5 more transcripts); short protein forms Q793L.
Identifiers: ClinVar variation 3949831 (VCV003949831.1).